The following is an entry in ClinVar:

ClinVar aggregate classification (germline): Benign/Likely benign. Review status: criteria provided, multiple submitters, no conflicts (2 of 4 stars). 4 submissions from 4 submitters: Benign (1); Likely benign (3). Last evaluated 2026-08-18.

Conditions:
DICER1-related tumor predisposition. Also called: DICER1 syndrome; DICER1-related pleuropulmonary blastoma cancer predisposition syndrome. Identifiers: Orphanet 284343, MedGen C3839822, MONDO:0100216.
Hereditary cancer-predisposing syndrome. Also called: Tumor predisposition; Neoplastic Syndromes, Hereditary; Hereditary Cancer Syndrome; Hereditary neoplastic syndrome. Identifiers: Orphanet 140162, MedGen C0027672, MeSH D009386, MONDO:0015356.

Allele frequency attached by ClinVar (database versions not stated): gnomAD exomes below 0.00001.
gnomAD v4.1: 3 of 1,614,122 alleles (0.00019%); highest among the groups gnomAD compares: Non-Finnish European, 0.00025%; no homozygotes.

Submissions (4):

Myriad Genetics, Inc.
Classification: Benign for DICER1-related tumor predisposition. Last evaluated: 2026-08-18. Review status: criteria provided, single submitter. Criteria: Myriad Autosomal Dominant, Autosomal Recessive and X-Linked Classification Criteria (2023). Collection method: clinical testing. Allele origin: unknown.
Comment: This variant is considered benign. This variant is a silent/synonymous amino acid change and it is not expected to impact splicing.

Center for Genomic Medicine, Rigshospitalet, Copenhagen University Hospital
Classification: Likely benign. Last evaluated: 2025-03-04. Review status: criteria provided, single submitter. Criteria: ACMG Guidelines, 2015. Collection method: clinical testing. Allele origin: germline.

Labcorp Genetics (formerly Invitae), Labcorp
Classification: Likely benign for DICER1-related tumor predisposition. Last evaluated: 2023-09-17. Review status: criteria provided, single submitter. Criteria: Invitae Variant Classification Sherloc (09022015). Collection method: clinical testing. Allele origin: germline.

Ambry Genetics
Classification: Likely benign for Hereditary cancer-predisposing syndrome. Last evaluated: 2023-02-22. Review status: criteria provided, single submitter. Criteria: Ambry Variant Classification Scheme 2023. Collection method: clinical testing. Allele origin: germline.

NM_177438.3(DICER1):c.5082C>T (p.Tyr1694=)

Gene: DICER1 (dicer 1, ribonuclease III; minus strand). Cytogenetic location: 14q32.13.
Variant type: single nucleotide variant.
Coding change: c.5082C>T on transcript NM_177438.3 (MANE Select); coding-DNA position 5082, C replaced by T.
Protein change: p.Tyr1694=; no amino-acid change (tyrosine 1694 retained).
Molecular consequence: synonymous variant.
Genome position (GRCh38, 1-based): chr14:95,095,838, G>A on the plus strand (C>T on the coding strand, the complement: DICER1 is on the minus strand). VCF-style: chr14-95095838-G-A. GRCh37 (hg19) VCF-style: chr14-95562175-G-A.
Other names: c.5082C>T, p.Tyr1694= (NM_001195573.1, NM_001271282.3, NM_001291628.2 and 1 more transcripts).
Identifiers: ClinVar variation 477239 (VCV000477239.16), dbSNP rs1555367486, ClinGen allele CA487625664.